The following is an entry in ClinVar:

NM_012431.3(SEMA3E):c.1171T>C (p.Tyr391His)

Gene: SEMA3E (semaphorin 3E; minus strand). Cytogenetic location: 7q21.11.
Variant type: single nucleotide variant.
Coding change: c.1171T>C on transcript NM_012431.3 (MANE Select); coding-DNA position 1171, T replaced by C.
Protein change: p.Tyr391His; replaces tyrosine 391 with histidine.
Molecular consequence: missense variant.
Genome position (GRCh38, 1-based): chr7:83,400,223, A>G on the plus strand (T>C on the coding strand, the complement: SEMA3E is on the minus strand). VCF-style: chr7-83400223-A-G. GRCh37 (hg19) VCF-style: chr7-83029539-A-G.
Other names: c.991T>C, p.Tyr331His (NM_001178129.2); short protein forms Y391H, Y331H.
Identifiers: ClinVar variation 1401443 (VCV001401443.8), dbSNP rs2115617387, ClinGen allele CA367927900.

ClinVar aggregate classification (germline): Uncertain significance (1 of 4 stars; one submission).

Conditions:
CHARGE syndrome (CHARGE). Also called: Hittner Hirsch Kreh syndrome; CHARGE ASSOCIATION--COLOBOMA, HEART ANOMALY, CHOANAL ATRESIA, RETARDATION, GENITAL AND EAR ANOMALIES; Coloboma, heart anomaly, choanal atresia, retardation, genital and ear anomalies; CHARGE association; Hall-Hittner syndrome. Identifiers: Orphanet 138, MedGen C0265354, MONDO:0008965.

Submission:

Labcorp Genetics (formerly Invitae), Labcorp
Classification: Uncertain significance for CHARGE syndrome. Last evaluated: 2021-06-28. Review status: criteria provided, single submitter. Criteria: Invitae Variant Classification Sherloc (09022015). Collection method: clinical testing. Allele origin: germline.
Comment: This sequence change replaces tyrosine with histidine at codon 391 of the SEMA3E protein (p.Tyr391His). The tyrosine residue is highly conserved and there is a moderate physicochemical difference between tyrosine and histidine. This variant is not present in population databases (ExAC no frequency). In summary, the available evidence is currently insufficient to determine the role of this variant in disease. Therefore, it has been classified as a Variant of Uncertain Significance. Algorithms developed to predict the effect of missense changes on protein structure and function are either unavailable or do not agree on the potential impact of this missense change (SIFT: "Deleterious"; PolyPhen-2: "Benign"; Align-GVGD: "Class C0"). This variant has not been reported in the literature in individuals with SEMA3E-related conditions.